The following is an entry in ClinVar:

ClinVar aggregate classification (germline): Uncertain significance (1 of 4 stars; one submission).

Allele frequency attached by ClinVar (database versions not stated): TOPMed 0.00001; ExAC 0.00002.
gnomAD v4.1: 5 of 1,614,106 alleles (0.00031%); highest among the groups gnomAD compares: Non-Finnish European, 0.00042%; no homozygotes.

Submission:

Labcorp Genetics (formerly Invitae), Labcorp
Classification: Uncertain significance. Last evaluated: 2022-06-13. Review status: criteria provided, single submitter. Criteria: Invitae Variant Classification Sherloc (09022015). Collection method: clinical testing. Allele origin: germline.
Comment: This sequence change replaces lysine, which is basic and polar, with asparagine, which is neutral and polar, at codon 662 of the ZNF341 protein (p.Lys662Asn). This variant is present in population databases (rs777675301, gnomAD 0.002%). In summary, the available evidence is currently insufficient to determine the role of this variant in disease. Therefore, it has been classified as a Variant of Uncertain Significance. Algorithms developed to predict the effect of missense changes on protein structure and function are either unavailable or do not agree on the potential impact of this missense change (SIFT: "Deleterious"; PolyPhen-2: "Probably Damaging"; Align-GVGD: "Class C0"). This variant has not been reported in the literature in individuals affected with ZNF341-related conditions.

NM_001282933.2(ZNF341):c.2007G>C (p.Lys669Asn)

Genes: ZNF341 (zinc finger protein 341; plus strand), ZNF341-AS1 (ZNF341 antisense RNA 1; minus strand). Cytogenetic location: 20q11.22.
Variant type: single nucleotide variant.
Coding change: c.2007G>C on transcript NM_001282933.2 (MANE Select); coding-DNA position 2007, G replaced by C.
Protein change: p.Lys669Asn; replaces lysine 669 with asparagine.
Molecular consequence: missense variant. On other transcripts: non-coding transcript variant (1).
Genome position (GRCh38, 1-based): chr20:33,789,560, G>C. VCF-style: chr20-33789560-G-C. GRCh37 (hg19) VCF-style: chr20-32377366-G-C.
Other names: c.1737G>C, p.Lys579Asn (NM_001282935.2); c.1986G>C, p.Lys662Asn (NM_032819.5); short protein forms K579N, K662N, K669N.
Identifiers: ClinVar variation 2005806 (VCV002005806.4), dbSNP rs777675301, ClinGen allele CA9819657.
Genomic context (GRCh38, chr20:33,789,560, plus strand): 5'-AGTGGCTTTGGGTTTTAGGACGCACACAGGCTGCAGTAAGGAGTTCAACCGGCCGGACAA[G>C]CTGAAGGCCCACATCCTCTCCCACTCTGGTAAGTGGCTCTTGGGCCTGCTAAGAGGGTCT-3'
Protein context (NP_001269862.1, residues 659-679): GCSKEFNRPD[Lys669Asn]LKAHILSHSG